The following is an entry in ClinVar:

NM_004656.4(BAP1):c.344T>C (p.Met115Thr)

Gene: BAP1 (BRCA1 associated deubiquitinase 1; minus strand). Cytogenetic location: 3p21.1.
Variant type: single nucleotide variant.
Coding change: c.344T>C on transcript NM_004656.4 (MANE Select); coding-DNA position 344, T replaced by C.
Protein change: p.Met115Thr; replaces methionine 115 with threonine.
Molecular consequence: missense variant.
Genome position (GRCh38, 1-based): chr3:52,407,989, A>G on the plus strand (T>C on the coding strand, the complement: BAP1 is on the minus strand). VCF-style: chr3-52407989-A-G. GRCh37 (hg19) VCF-style: chr3-52442005-A-G.
Other names: c.344T>C, p.Met115Thr (NM_001410772.1); c.344T>C (NM_004656.3); short protein forms M115T.
Identifiers: ClinVar variation 2562051 (VCV002562051.3), dbSNP rs1705219785, ClinGen allele CA353111915.

ClinVar aggregate classification (germline): Uncertain significance. Review status: criteria provided, multiple submitters, no conflicts (2 of 4 stars). 2 submissions from 2 submitters: Uncertain significance (2). Last evaluated 2024-10-16.

Conditions:
Hereditary cancer-predisposing syndrome. Also called: Neoplastic Syndromes, Hereditary; Hereditary Cancer Syndrome; Hereditary neoplastic syndrome; Tumor predisposition. Identifiers: Orphanet 140162, MedGen C0027672, MeSH D009386, MONDO:0015356.

Submissions (2):

GeneDx
Classification: Uncertain significance. Last evaluated: 2024-10-16. Review status: criteria provided, single submitter. Criteria: GeneDx Variant Classification Process June 2021. Collection method: clinical testing. Allele origin: germline. Affected: yes.
Comment: Not observed at significant frequency in large population cohorts (gnomAD); In silico analysis supports that this missense variant has a deleterious effect on protein structure/function; Has not been previously published as pathogenic or benign to our knowledge

Ambry Genetics
Classification: Uncertain significance for Hereditary cancer-predisposing syndrome. Last evaluated: 2023-05-08. Review status: criteria provided, single submitter. Criteria: Ambry Variant Classification Scheme 2023. Collection method: clinical testing. Allele origin: germline.
Comment: The p.M115T variant (also known as c.344T>C), located in coding exon 5 of the BAP1 gene, results from a T to C substitution at nucleotide position 344. The methionine at codon 115 is replaced by threonine, an amino acid with similar properties. This amino acid position is conserved. In addition, the in silico prediction for this alteration is inconclusive. Since supporting evidence is limited at this time, the clinical significance of this alteration remains unclear.